The following is an entry in ClinVar:

NM_003072.5(SMARCA4):c.4787A>G (p.Lys1596Arg)

Gene: SMARCA4 (SWI/SNF related BAF chromatin remodeling complex subunit ATPase 4; plus strand). Cytogenetic location: 19p13.2.
Variant type: single nucleotide variant.
Coding change: c.4787A>G on transcript NM_003072.5 (MANE Select); coding-DNA position 4787, A replaced by G.
Protein change: p.Lys1596Arg; replaces lysine 1596 with arginine.
Molecular consequence: missense variant. On other transcripts: non-coding transcript variant (1).
Genome position (GRCh38, 1-based): chr19:11,060,063, A>G. VCF-style: chr19-11060063-A-G. GRCh37 (hg19) VCF-style: chr19-11170739-A-G.
Other names: c.4787A>G, p.Lys1596Arg (NM_001128844.3); c.4697A>G, p.Lys1566Arg (NM_001128845.2); c.4694A>G, p.Lys1565Arg (NM_001128846.2); c.4688A>G, p.Lys1563Arg (NM_001128847.4, NM_001374457.1); c.4685A>G, p.Lys1562Arg (NM_001128848.2); c.4883A>G, p.Lys1628Arg (NM_001128849.3, NM_001387283.1); c.4784A>G, p.Lys1595Arg (NM_001411150.1); short protein forms K1562R, K1565R, K1595R, K1566R, K1628R, K1563R, K1596R.
Identifiers: ClinVar variation 2452856 (VCV002452856.3), dbSNP rs2147123836, ClinGen allele CA404080322.

ClinVar aggregate classification (germline): Uncertain significance (1 of 4 stars; one submission).

Conditions:
Hereditary cancer-predisposing syndrome. Also called: Neoplastic Syndromes, Hereditary; Tumor predisposition; Hereditary neoplastic syndrome; Hereditary Cancer Syndrome. Identifiers: Orphanet 140162, MedGen C0027672, MeSH D009386, MONDO:0015356.

Submission:

Ambry Genetics
Classification: Uncertain significance for Hereditary cancer-predisposing syndrome. Last evaluated: 2025-10-16. Review status: criteria provided, single submitter. Criteria: Ambry Variant Classification Scheme 2023. Collection method: clinical testing. Allele origin: germline.
Comment: The p.K1628R variant (also known as c.4883A>G), located in coding exon 34 of the SMARCA4 gene, results from an A to G substitution at nucleotide position 4883. The lysine at codon 1628 is replaced by arginine, an amino acid with highly similar properties. This amino acid position is highly conserved in available vertebrate species. In addition, the in silico prediction for this alteration is inconclusive. Missense and in-frame variants in SMARCA4 are known to cause neurodevelopmental disorders; however, such associations with rhabdoid tumor predisposition syndrome including small cell carcinoma of the ovary-hypercalcemic type (SCCOHT) are exceedingly rare (Kosho T et al. Am J Med Genet C Semin Med Genet. 2014 Sep;166C(3):262-75; Jelinic P et al. Nat Genet. 2014 May;46(5):424-6). Based on the supporting evidence, the association of this alteration with Coffin-Siris syndrome is unknown; however, the association of this alteration with rhabdoid tumor predisposition syndrome is unlikely.